The following is an entry in ClinVar:

ClinVar aggregate classification (germline): Uncertain significance (1 of 4 stars; one submission).

Conditions:
ADCY3-related disorder. Also called: ADCY3-related condition.

Submission:

PreventionGenetics, part of Exact Sciences
Classification: Uncertain significance for ADCY3-related condition. Last evaluated: 2026-08-13. Review status: criteria provided, single submitter. Criteria: ACMG Guidelines, 2015. Collection method: clinical testing. Allele origin: germline.
Comment: The ADCY3 c.2732G>A variant is predicted to result in the amino acid substitution p.Arg911Lys. To our knowledge, this variant has not been reported in the literature or in a large population database (gnomAD), indicating this variant is rare. At this time, the clinical significance of this variant is uncertain due to the absence of conclusive functional and genetic evidence.

NM_004036.5(ADCY3):c.2729G>A (p.Arg910Lys)

Gene: ADCY3 (adenylate cyclase 3; minus strand). Cytogenetic location: 2p23.3.
Variant type: single nucleotide variant.
Coding change: c.2729G>A on transcript NM_004036.5 (MANE Select); coding-DNA position 2729, G replaced by A.
Protein change: p.Arg910Lys; replaces arginine 910 with lysine.
Molecular consequence: missense variant.
Genome position (GRCh38, 1-based): chr2:24,824,385, C>T on the plus strand (G>A on the coding strand, the complement: ADCY3 is on the minus strand). VCF-style: chr2-24824385-C-T. GRCh37 (hg19) VCF-style: chr2-25047254-C-T.
Other names: c.2732G>A, p.Arg911Lys (NM_001320613.2); c.2795G>A, p.Arg932Lys (NM_001377128.1); c.2591G>A, p.Arg864Lys (NM_001377129.1); c.2324G>A, p.Arg775Lys (NM_001377130.1); c.2006G>A, p.Arg669Lys (NM_001377131.1); c.2729G>A, p.Arg910Lys (NM_001377132.1); short protein forms R911K, R932K, R669K, R775K, R864K, R910K.
Identifiers: ClinVar variation 4993471 (VCV004993471.1).